The following is an entry in ClinVar:

ClinVar aggregate classification (germline): Benign/Likely benign. Review status: criteria provided, multiple submitters, no conflicts (2 of 4 stars). 3 submissions from 3 submitters: Benign (1); Likely benign (2). Last evaluated 2024-03-28.

Conditions:
Hereditary cancer-predisposing syndrome. Also called: Tumor predisposition; Hereditary neoplastic syndrome; Neoplastic Syndromes, Hereditary; Hereditary Cancer Syndrome. Identifiers: Orphanet 140162, MedGen C0027672, MeSH D009386, MONDO:0015356.
Familial adenomatous polyposis 1 (FAP1). Also called: POLYPOSIS, ADENOMATOUS INTESTINAL; FAMILIAL ADENOMATOUS POLYPOSIS 1, ATTENUATED. Identifiers: MedGen C2713442, MONDO:0021056, OMIM 175100. Disease mechanism: loss of function.

Allele frequency attached by ClinVar (database versions not stated): ExAC 0.00001.
gnomAD v4.1: 1 of 1,614,116 alleles (0.000062%); highest among the groups gnomAD compares: Admixed American, 0.0017%; no homozygotes.

Submissions (3):

Myriad Genetics, Inc.
Classification: Benign for Familial adenomatous polyposis 1. Last evaluated: 2024-03-28. Review status: criteria provided, single submitter. Criteria: Myriad Autosomal Dominant, Autosomal Recessive and X-Linked Classification Criteria (2023). Collection method: clinical testing. Allele origin: unknown.
Comment: This variant is considered benign. This variant is a silent/synonymous amino acid change and it is not expected to impact splicing.

Ambry Genetics
Classification: Likely benign for Hereditary cancer-predisposing syndrome. Last evaluated: 2024-02-20. Review status: criteria provided, single submitter. Criteria: Ambry Variant Classification Scheme 2023. Collection method: clinical testing. Allele origin: germline.

Labcorp Genetics (formerly Invitae), Labcorp
Classification: Likely benign for Familial adenomatous polyposis 1. Last evaluated: 2021-10-02. Review status: criteria provided, single submitter. Criteria: Invitae Variant Classification Sherloc (09022015). Collection method: clinical testing. Allele origin: germline.

NM_000038.6(APC):c.5133T>C (p.Pro1711=)

Gene: APC (APC regulator of Wnt signaling pathway; plus strand). Cytogenetic location: 5q22.2.
Variant type: single nucleotide variant.
Coding change: c.5133T>C on transcript NM_000038.6 (MANE Select); coding-DNA position 5133, T replaced by C.
Protein change: p.Pro1711=; no amino-acid change (proline 1711 retained).
Molecular consequence: synonymous variant.
Genome position (GRCh38, 1-based): chr5:112,840,727, T>C. VCF-style: chr5-112840727-T-C. GRCh37 (hg19) VCF-style: chr5-112176424-T-C.
Other names: c.5133T>C, p.Pro1711= (NM_001127510.3, NM_001354895.2); c.5079T>C, p.Pro1693= (NM_001127511.3); c.5187T>C, p.Pro1729= (NM_001354896.2); c.5163T>C, p.Pro1721= (NM_001354897.2); c.5058T>C, p.Pro1686= (NM_001354898.2); c.5049T>C, p.Pro1683= (NM_001354899.2); c.5010T>C, p.Pro1670= (NM_001354900.2); c.4956T>C, p.Pro1652= (NM_001354901.2); and 6 more.
Identifiers: ClinVar variation 1613755 (VCV001613755.9), dbSNP rs764152659, ClinGen allele CA040701.
Genomic context (GRCh38, chr5:112,840,727, plus strand): 5'-TACAGAAGGCAGAAGTACAGATGAGGCTCAAGGAGGAAAAACCTCATCTGTAACCATACC[T>C]GAATTGGATGACAATAAAGCAGAGGAAGGTGATATTCTTGCAGAATGCATTAATTCTGCT-3'
Protein context (NP_000029.2, residues 1701-1721): QGGKTSSVTI[Pro1711=]ELDDNKAEEG